The following is an entry in ClinVar:

NM_003060.4(SLC22A5):c.1430C>T (p.Ser477Phe)

Gene: SLC22A5 (solute carrier family 22 member 5; plus strand). Cytogenetic location: 5q31.1.
Variant type: single nucleotide variant.
Coding change: c.1430C>T on transcript NM_003060.4 (MANE Select); coding-DNA position 1430, C replaced by T.
Protein change: p.Ser477Phe; replaces serine 477 with phenylalanine.
Molecular consequence: missense variant.
Genome position (GRCh38, 1-based): chr5:132,392,595, C>T. VCF-style: chr5-132392595-C-T. GRCh37 (hg19) VCF-style: chr5-131728287-C-T.
Other names: c.1502C>T, p.Ser501Phe (NM_001308122.2); short protein forms S477F, S501F.
Identifiers: ClinVar variation 1993922 (VCV001993922.4), dbSNP rs2532138905, ClinGen allele CA360809300.

ClinVar aggregate classification (germline): Uncertain significance (1 of 4 stars; one submission).

Conditions:
Renal carnitine transport defect (CDSP). Also called: CARNITINE DEFICIENCY, SYSTEMIC, DUE TO DEFECT IN RENAL REABSORPTION OF CARNITINE; CARNITINE TRANSPORTER, PLASMA-MEMBRANE, DEFICIENCY OF; CARNITINE UPTAKE DEFECT; Primary carnitine deficiency; Systemic primary carnitine deficiency disease; Systemic primary carnitine deficiency. Identifiers: Orphanet 158, MedGen C0342788, MONDO:0008919, OMIM 212140.

Submission:

Labcorp Genetics (formerly Invitae), Labcorp
Classification: Uncertain significance for Renal carnitine transport defect. Last evaluated: 2022-05-13. Review status: criteria provided, single submitter. Criteria: Invitae Variant Classification Sherloc (09022015). Collection method: clinical testing. Allele origin: germline.
Comment: In summary, the available evidence is currently insufficient to determine the role of this variant in disease. Therefore, it has been classified as a Variant of Uncertain Significance. Advanced modeling of protein sequence and biophysical properties (such as structural, functional, and spatial information, amino acid conservation, physicochemical variation, residue mobility, and thermodynamic stability) performed at Invitae indicates that this missense variant is expected to disrupt SLC22A5 protein function. This variant has not been reported in the literature in individuals affected with SLC22A5-related conditions. This variant is not present in population databases (gnomAD no frequency). This sequence change replaces serine, which is neutral and polar, with phenylalanine, which is neutral and non-polar, at codon 477 of the SLC22A5 protein (p.Ser477Phe).